The following is an entry in ClinVar:

ClinVar aggregate classification (germline): Likely benign (1 of 4 stars; one submission).

Allele frequency attached by ClinVar (database versions not stated): 1000 Genomes Project 30x 0.00234; 1000 Genomes Project 0.00260; TOPMed 0.00487.
gnomAD v4.1: 3,031 of 517,662 alleles (0.59%); highest among the groups gnomAD compares: Non-Finnish European, 0.76%; 20 homozygotes.

Submission:

GeneDx
Classification: Likely benign. Last evaluated: 2018-06-14. Review status: criteria provided, single submitter. Criteria: GeneDx Variant Classification (06012015). Collection method: clinical testing. Allele origin: germline. Affected: yes.
Comment: This variant is considered likely benign or benign based on one or more of the following criteria: it is a conservative change, it occurs at a poorly conserved position in the protein, it is predicted to be benign by multiple in silico algorithms, and/or has population frequency not consistent with disease.

NM_006440.5(TXNRD2):c.591+243C>G

Gene: TXNRD2 (thioredoxin reductase 2; minus strand). Cytogenetic location: 22q11.21.
Variant type: single nucleotide variant.
Coding change: c.591+243C>G on transcript NM_006440.5 (MANE Select); 243 bases into the intron after coding-DNA position 591, C replaced by G.
Molecular consequence: intron variant.
Genome position (GRCh38, 1-based): chr22:19,914,971, G>C on the plus strand (C>G on the coding strand, the complement: TXNRD2 is on the minus strand). VCF-style: chr22-19914971-G-C. GRCh37 (hg19) VCF-style: chr22-19902494-G-C.
Other names: c.588+243C>G (NM_001352300.2); c.303+243C>G (NM_001352302.2); c.501+243C>G (NM_001352301.2); c.591+243C>G (NM_001282512.3); c.495+243C>G (NM_001352303.2).
Identifiers: ClinVar variation 679791 (VCV000679791.1), dbSNP rs145232439, ClinGen allele CA14995914.